The following is an entry in ClinVar:

ClinVar aggregate classification (germline): Likely pathogenic (1 of 4 stars; one submission).

Conditions:
Multiple acyl-CoA dehydrogenase deficiency (MADD). Also called: ETHYLMALONIC-ADIPICACIDURIA; GA II; Glutaric acidemia type II; GA 2; Glutaric aciduria, type 2; Glutaric Acidemia type 2. Identifiers: Orphanet 26791, MedGen C0268596, MONDO:0009282, OMIM 231680.

Allele frequency attached by ClinVar (database versions not stated): gnomAD exomes below 0.00001.

Submission:

Labcorp Genetics (formerly Invitae), Labcorp
Classification: Likely pathogenic for Multiple acyl-CoA dehydrogenase deficiency. Last evaluated: 2022-04-23. Review status: criteria provided, single submitter. Criteria: Invitae Variant Classification Sherloc (09022015). Collection method: clinical testing. Allele origin: germline.
Comment: In summary, the currently available evidence indicates that the variant is pathogenic, but additional data are needed to prove that conclusively. Therefore, this variant has been classified as Likely Pathogenic. This variant disrupts the p.Leu127 amino acid residue in ETFDH. Other variant(s) that disrupt this residue have been determined to be pathogenic (PMID: 19249206). This suggests that this residue is clinically significant, and that variants that disrupt this residue are likely to be disease-causing. Advanced modeling of protein sequence and biophysical properties (such as structural, functional, and spatial information, amino acid conservation, physicochemical variation, residue mobility, and thermodynamic stability) performed at Invitae indicates that this missense variant is expected to disrupt ETFDH protein function. This variant has not been reported in the literature in individuals affected with ETFDH-related conditions. This variant is present in population databases (no rsID available, gnomAD no frequency). This sequence change replaces leucine, which is neutral and non-polar, with phenylalanine, which is neutral and non-polar, at codon 127 of the ETFDH protein (p.Leu127Phe).

Literature cited by the submitters: PubMed 19249206.

NM_004453.4(ETFDH):c.379C>T (p.Leu127Phe)

Gene: ETFDH (electron transfer flavoprotein dehydrogenase; plus strand). Cytogenetic location: 4q32.1.
Variant type: single nucleotide variant.
Coding change: c.379C>T on transcript NM_004453.4 (MANE Select); coding-DNA position 379, C replaced by T.
Protein change: p.Leu127Phe; replaces leucine 127 with phenylalanine.
Molecular consequence: missense variant.
Genome position (GRCh38, 1-based): chr4:158,682,398, C>T. VCF-style: chr4-158682398-C-T. GRCh37 (hg19) VCF-style: chr4-159603550-C-T.
Other names: c.238C>T, p.Leu80Phe (NM_001281737.2); c.196C>T, p.Leu66Phe (NM_001281738.1); short protein forms L80F, L66F, L127F.
Identifiers: ClinVar variation 2064011 (VCV002064011.4), dbSNP rs1466275942, ClinGen allele CA358574496.